The following is an entry in ClinVar:

NM_000051.4(ATM):c.3078-77C>T

Gene: ATM (ATM serine/threonine kinase; plus strand). Cytogenetic location: 11q22.3.
Variant type: single nucleotide variant.
Coding change: c.3078-77C>T on transcript NM_000051.4 (MANE Select); 77 bases into the intron before coding-DNA position 3078, C replaced by T.
Molecular consequence: intron variant.
Genome position (GRCh38, 1-based): chr11:108,272,455, C>T. VCF-style: chr11-108272455-C-T. GRCh37 (hg19) VCF-style: chr11-108143182-C-T.
Other names: c.3078-77C>T (NM_001351834.2).
Identifiers: ClinVar variation 439418 (VCV000439418.19), dbSNP rs664677, ClinGen allele CA15687565.

ClinVar aggregate classification (germline): Benign. Review status: criteria provided, multiple submitters, no conflicts (2 of 4 stars). 8 submissions from 8 submitters: Benign (6). 2 of the submissions do not count toward it. Last evaluated 2023-11-12.

Conditions:
Ataxia-telangiectasia syndrome (AT). Also called: Ataxia-telangiectasia, complementation group E; Ataxia telangiectasia (A-T); LOUIS-BAR SYNDROME; Ataxia-telangiectasia, complementation group D; ATAXIA-TELANGIECTASIA, COMPLEMENTATION GROUP A; ATAXIA-TELANGIECTASIA, FRESNO VARIANT. Identifiers: Orphanet 100, MedGen C0004135, MONDO:0008840, OMIM 208900.
Hereditary breast ovarian cancer syndrome. Also called: Hereditary breast and ovarian cancer syndrome; BRCA1- and BRCA2-Associated Hereditary Breast and Ovarian Cancer; Hereditary breast and ovarian cancer syndrome (HBOC); Hereditary breast and/or ovarian cancer syndrome; Hereditary breast and ovarian cancer; Breast and ovarian cancer. Identifiers: Orphanet 145, MedGen C0677776, MeSH D061325, MONDO:0003582. Disease mechanism: loss of function.

Allele frequency attached by ClinVar (database versions not stated): gnomAD exomes 0.58275; gnomAD 0.64674 and 0.65111; 1000 Genomes Project 0.65256; TOPMed 0.65294; 1000 Genomes Project 30x 0.65896.
gnomAD v4.1: 722,352 of 1,221,380 alleles (59%); highest among the groups gnomAD compares: African/African-American, 78%; 216,825 homozygotes.

Submissions (8):

Unidad de Genómica Garrahan, Hospital de Pediatría Garrahan
Classification: Benign. Last evaluated: 2023-11-12. Review status: criteria provided, single submitter. Criteria: ACMG Guidelines, 2015. Collection method: clinical testing. Allele origin: germline. Affected: no. Observed: 66 variant alleles.
Comment: This variant is classified as Benign based on local population frequency. This variant was detected in 69% of patients studied by a panel of primary immunodeficiencies. Number of patients: 66. Only high quality variants are reported.

National Health Laboratory Service, Universitas Academic Hospital and University of the Free State
Classification: Benign for Hereditary breast ovarian cancer syndrome. Last evaluated: 2022-04-19. Review status: criteria provided, single submitter. Criteria: ACMG Guidelines, 2015. Collection method: clinical testing. Allele origin: germline. Affected: yes. Observed: 252 variant alleles.

Genome-Nilou Lab
Classification: Benign for Ataxia-telangiectasia syndrome. Last evaluated: 2021-07-01. Review status: criteria provided, single submitter. Criteria: ACMG Guidelines, 2015. Collection method: clinical testing. Allele origin: germline. Affected: no.

ARUP Laboratories, Molecular Genetics and Genomics, ARUP Laboratories
Classification: Benign for Ataxia-telangiectasia syndrome. Last evaluated: 2018-07-02. Review status: criteria provided, single submitter. Criteria: ARUP Molecular Germline Variant Investigation Process. Collection method: clinical testing. Allele origin: germline.

GeneDx
Classification: Benign. Last evaluated: 2015-03-03. Review status: criteria provided, single submitter. Criteria: GeneDx Variant Classification Process June 2021. Collection method: clinical testing. Allele origin: germline. Affected: yes.

Breakthrough Genomics
Classification: Benign. Review status: criteria provided, single submitter. Criteria: ACMG Guidelines, 2015. Collection method: not provided. Allele origin: germline. Inheritance: Autosomal recessive inheritance. Affected: yes.

Genome Diagnostics Laboratory, University Medical Center Utrecht
Classification: Benign. Review status: no assertion criteria provided. Collection method: clinical testing. Allele origin: germline. Affected: yes. Study: VKGL Data-share Consensus. Not counted in ClinVar's aggregate classification.

Joint Genome Diagnostic Labs from Nijmegen and Maastricht, Radboudumc and MUMC+
Classification: Benign. Review status: no assertion criteria provided. Collection method: clinical testing. Allele origin: germline. Affected: yes. Study: VKGL Data-share Consensus. Not counted in ClinVar's aggregate classification.